The following is an entry in ClinVar:

NM_004369.4(COL6A3):c.5691G>A (p.Pro1897=)

Gene: COL6A3 (collagen type VI alpha 3 chain; minus strand). Cytogenetic location: 2q37.3.
Variant type: single nucleotide variant.
Coding change: c.5691G>A on transcript NM_004369.4 (MANE Select); coding-DNA position 5691, G replaced by A.
Protein change: p.Pro1897=; no amino-acid change (proline 1897 retained).
Molecular consequence: synonymous variant.
Genome position (GRCh38, 1-based): chr2:237,365,845, C>T on the plus strand (G>A on the coding strand, the complement: COL6A3 is on the minus strand). VCF-style: chr2-237365845-C-T. GRCh37 (hg19) VCF-style: chr2-238274488-C-T.
Other names: c.3870G>A, p.Pro1290= (NM_057166.5); c.5073G>A, p.Pro1691= (NM_057167.4).
Identifiers: ClinVar variation 2920132 (VCV002920132.4), dbSNP rs762064645, ClinGen allele CA2188603.

ClinVar aggregate classification (germline): Likely benign. Review status: criteria provided, multiple submitters, no conflicts (2 of 4 stars). 2 submissions from 2 submitters: Likely benign (2). Last evaluated 2024-10-09.

Conditions:
COL6A3-related disorder. Also called: COL6A3-related condition; COL6A3-related disorders.
Bethlem myopathy 1A. Also called: MYOPATHY, BENIGN CONGENITAL, WITH CONTRACTURES; Bethlem myopathy 1; Bethlem Muscular Dystrophy. Identifiers: Orphanet 610, MedGen CN029274, MONDO:0024530, OMIM 158810.

Allele frequency attached by ClinVar (database versions not stated): TOPMed below 0.00001; ExAC 0.00002; gnomAD exomes 0.00002.
gnomAD v4.1: 28 of 1,614,212 alleles (0.0017%); highest among the groups gnomAD compares: East Asian, 0.011%; no homozygotes.

Submissions (2):

PreventionGenetics, part of Exact Sciences
Classification: Likely benign for COL6A3-related condition. Last evaluated: 2024-10-09. Review status: criteria provided, single submitter. Criteria: ACMG Guidelines, 2015. Collection method: clinical testing. Allele origin: germline.
Comment: This variant is classified as likely benign based on ACMG/AMP sequence variant interpretation guidelines (Richards et al. 2015 PMID: 25741868, with internal and published modifications).

Labcorp Genetics (formerly Invitae), Labcorp
Classification: Likely benign for Bethlem myopathy 1A. Last evaluated: 2022-12-09. Review status: criteria provided, single submitter. Criteria: Invitae Variant Classification Sherloc (09022015). Collection method: clinical testing. Allele origin: germline.